The following is an entry in ClinVar:

ClinVar aggregate classification (germline): Uncertain significance (1 of 4 stars; one submission).

Submission:

Labcorp Genetics (formerly Invitae), Labcorp
Classification: Uncertain significance. Last evaluated: 2026-01-21. Review status: criteria provided, single submitter. Criteria: Invitae Variant Classification Sherloc (09022015). Collection method: clinical testing. Allele origin: germline.
Comment: This sequence change replaces leucine, which is neutral and non-polar, with threonine, which is neutral and polar, at codon 310 of the IL23R protein (p.Leu310Thr). The frequency data for this variant in the population databases is considered unreliable, as metrics indicate poor data quality at this position in the gnomAD database. This variant has not been reported in the literature in individuals affected with IL23R-related conditions. An algorithm developed to predict the effect of missense changes on protein structure and function (PolyPhen-2) suggests that this variant is likely to be tolerated. In summary, the available evidence is currently insufficient to determine the role of this variant in disease. Therefore, it has been classified as a Variant of Uncertain Significance.

NM_144701.3(IL23R):c.928_929delinsAC (p.Leu310Thr)

Gene: IL23R (interleukin 23 receptor; plus strand). Cytogenetic location: 1p31.3.
Variant type: Indel.
Coding change: c.928_929delinsAC on transcript NM_144701.3 (MANE Select); coding-DNA positions 928 to 929, CT replaced by AC.
Protein change: p.Leu310Thr; replaces leucine 310 with threonine.
Molecular consequence: missense variant.
Genome position (GRCh38, 1-based): chr1:67,219,703-67,219,704, CT replaced by AC. VCF-style: chr1-67219703-CT-AC. GRCh37 (hg19) VCF-style: chr1-67685386-CT-AC.
Other names: short protein forms L310T.
Identifiers: ClinVar variation 4748821 (VCV004748821.1).